The following is an entry in ClinVar:

NM_001304548.2(CFAP47):c.5224A>G (p.Ser1742Gly)

Gene: CFAP47 (cilia and flagella associated protein 47; plus strand). Cytogenetic location: Xp21.1.
Variant type: single nucleotide variant.
Coding change: c.5224A>G on transcript NM_001304548.2 (MANE Select); coding-DNA position 5224, A replaced by G.
Protein change: p.Ser1742Gly; replaces serine 1742 with glycine.
Molecular consequence: missense variant.
Genome position (GRCh38, 1-based): chrX:36,104,595, A>G. VCF-style: chrX-36104595-A-G. GRCh37 (hg19) VCF-style: chrX-36122712-A-G.
Other names: short protein forms S1742G.
Identifiers: ClinVar variation 996917 (VCV000996917.2), dbSNP rs1214810484, ClinGen allele CA412704527.

ClinVar aggregate classification (germline): no classifications from unflagged records (0 of 4 stars; one submission).

Conditions:
Spermatogenic failure, X-linked, 3. Identifiers: MedGen C5542347, MONDO:0025354, OMIM 301059.

Allele frequency attached by ClinVar (database versions not stated): TOPMed 0.00002; gnomAD 0.00001; gnomAD exomes 0.00001.
gnomAD v4.1: 6 of 931,465 alleles (0.00064%); highest among the groups gnomAD compares: East Asian, 0.016%; no homozygotes.

Submission:

OMIM
Classification: Pathogenic for SPERMATOGENIC FAILURE, X-LINKED, 3. Last evaluated: 2021-02-17. Review status: flagged submission. Collection method: literature only. Allele origin: germline.
ClinVar note: Notes: Flagging candidate with reason of insufficient supporting evidence. This gene has been classified as having a limited gene-disease relationship by a ClinGen Expert Panel.
ClinVar note: Reason: P/LP classification for a variant in a gene with insufficient evidence for a gene-disease relationship

Literature cited by the submitters: PubMed 33472045.